The following is an entry in ClinVar:

ClinVar aggregate classification (germline): Uncertain significance (1 of 4 stars; one submission).

Submission:

Labcorp Genetics (formerly Invitae), Labcorp
Classification: Uncertain significance. Last evaluated: 2023-10-22. Review status: criteria provided, single submitter. Criteria: Invitae Variant Classification Sherloc (09022015). Collection method: clinical testing. Allele origin: germline.
Comment: This sequence change replaces glutamic acid, which is acidic and polar, with glutamine, which is neutral and polar, at codon 222 of the NFE2L2 protein (p.Glu222Gln). This variant is not present in population databases (gnomAD no frequency). This variant has not been reported in the literature in individuals affected with NFE2L2-related conditions. Advanced modeling of protein sequence and biophysical properties (such as structural, functional, and spatial information, amino acid conservation, physicochemical variation, residue mobility, and thermodynamic stability) performed at Invitae indicates that this missense variant is not expected to disrupt NFE2L2 protein function with a negative predictive value of 80%. In summary, the available evidence is currently insufficient to determine the role of this variant in disease. Therefore, it has been classified as a Variant of Uncertain Significance.

NM_006164.5(NFE2L2):c.664G>C (p.Glu222Gln)

Gene: NFE2L2 (NFE2 like bZIP transcription factor 2; minus strand). Cytogenetic location: 2q31.2.
Variant type: single nucleotide variant.
Coding change: c.664G>C on transcript NM_006164.5 (MANE Select); coding-DNA position 664, G replaced by C.
Protein change: p.Glu222Gln; replaces glutamic acid 222 with glutamine.
Molecular consequence: missense variant.
Genome position (GRCh38, 1-based): chr2:177,231,939, C>G on the plus strand (G>C on the coding strand, the complement: NFE2L2 is on the minus strand). VCF-style: chr2-177231939-C-G. GRCh37 (hg19) VCF-style: chr2-178096667-C-G.
Other names: c.616G>C, p.Glu206Gln (NM_001145412.3, NM_001313900.1, NM_001313901.1); c.595G>C, p.Glu199Gln (NM_001145413.3); c.574G>C, p.Glu192Gln (NM_001313902.2); c.445G>C, p.Glu149Gln (NM_001313903.2); c.364G>C, p.Glu122Gln (NM_001313904.1); short protein forms E122Q, E199Q, E149Q, E192Q, E222Q, E206Q.
Identifiers: ClinVar variation 2771092 (VCV002771092.3), dbSNP rs2105454333, ClinGen allele CA349374577.